The following is an entry in ClinVar:

NM_004415.4(DSP):c.8378T>C (p.Met2793Thr)

Gene: DSP (desmoplakin; plus strand). Cytogenetic location: 6p24.3.
Variant type: single nucleotide variant.
Coding change: c.8378T>C on transcript NM_004415.4 (MANE Select); coding-DNA position 8378, T replaced by C.
Protein change: p.Met2793Thr; replaces methionine 2793 with threonine.
Molecular consequence: missense variant.
Genome position (GRCh38, 1-based): chr6:7,585,640, T>C. VCF-style: chr6-7585640-T-C. GRCh37 (hg19) VCF-style: chr6-7585873-T-C.
Other names: c.6581T>C, p.Met2194Thr (NM_001008844.3); c.7049T>C, p.Met2350Thr (NM_001319034.2); short protein forms M2194T, M2350T, M2793T.
Identifiers: ClinVar variation 4758799 (VCV004758799.1).
Genomic context (GRCh38, chr6:7,585,640, plus strand): 5'-TCCTGACCTGCCCCAAAACCAAATTAAAAATATCCTATAAGGATGCCATAAATCGCTCCA[T>C]GGTAGAAGATATCACTGGGCTGCGCCTTCTGGAAGCCGCCTCCGTGTCGTCCAAGGGCTT-3'
Protein context (NP_004406.2, residues 2783-2803): ISYKDAINRS[Met2793Thr]VEDITGLRLL

ClinVar aggregate classification (germline): Uncertain significance (1 of 4 stars; one submission).

Conditions:
Cardiomyopathy (CMYO). Also called: Cardiomyopathies. Identifiers: Orphanet 167848, MedGen C0878544, MONDO:0004994, HP:0001638. Inheritance: Various modes of inheritance.

Submission:

Color Diagnostics, LLC DBA Color Health
Classification: Uncertain significance for Cardiomyopathy. Last evaluated: 2025-06-09. Review status: criteria provided, single submitter. Criteria: ACMG Guidelines, 2015. Collection method: clinical testing. Allele origin: germline.
Comment: This missense variant replaces methionine with threonine at codon 2793 of the DSP protein. Computational prediction is inconclusive regarding the impact of this variant on protein structure and function. To our knowledge, functional studies have not been reported for this variant. This variant has not been reported in individuals affected with DSP-related disorders in the literature. This variant has been identified in 1/251408 chromosomes in the general population by the Genome Aggregation Database (gnomAD). The available evidence is insufficient to determine the role of this variant in disease conclusively. Therefore, this variant is classified as a Variant of Uncertain Significance.